The following is an entry in ClinVar:

ClinVar aggregate classification (germline): Benign/Likely benign. Review status: criteria provided, multiple submitters, no conflicts (2 of 4 stars). 2 submissions from 2 submitters: Benign (1); Likely benign (1). Last evaluated 2026-05-27.

Conditions:
Hereditary cancer-predisposing syndrome. Also called: Hereditary Cancer Syndrome; Hereditary neoplastic syndrome; Neoplastic Syndromes, Hereditary; Tumor predisposition. Identifiers: Orphanet 140162, MedGen C0027672, MeSH D009386, MONDO:0015356.
Papillary renal cell carcinoma type 1 (RCCP1). Also called: Renal adenocarcinoma; Renal cell carcinoma 1; Renal cell carcinoma, somatic; RENAL CELL CARCINOMA, PAPILLARY, 1, SOMATIC. Identifiers: Orphanet 47044, MedGen C1336839, OMIM 605074, HP:0011797.

Submissions (2):

Ambry Genetics
Classification: Likely benign for Hereditary cancer-predisposing syndrome. Last evaluated: 2026-05-27. Review status: criteria provided, single submitter. Criteria: Ambry Variant Classification Scheme 2023. Collection method: clinical testing. Allele origin: germline.

Myriad Genetics, Inc.
Classification: Benign for Papillary renal cell carcinoma type 1. Last evaluated: 2024-11-07. Review status: criteria provided, single submitter. Criteria: Myriad Autosomal Dominant, Autosomal Recessive and X-Linked Classification Criteria (2023). Collection method: clinical testing. Allele origin: unknown.
Comment: This variant is considered benign. This variant is a silent/synonymous amino acid change and it is not expected to impact splicing.

NM_000245.4(MET):c.1461T>C (p.Ser487=)

Gene: MET (MET proto-oncogene, receptor tyrosine kinase; plus strand). Cytogenetic location: 7q31.2.
Variant type: single nucleotide variant.
Coding change: c.1461T>C on transcript NM_000245.4 (MANE Select); coding-DNA position 1461, T replaced by C.
Protein change: p.Ser487=; no amino-acid change (serine 487 retained).
Molecular consequence: synonymous variant.
Genome position (GRCh38, 1-based): chr7:116,740,018, T>C. VCF-style: chr7-116740018-T-C. GRCh37 (hg19) VCF-style: chr7-116380072-T-C.
Other names: c.1461T>C, p.Ser487= (NM_001127500.3, NM_001324401.3); c.171T>C, p.Ser57= (NM_001324402.2).
Identifiers: ClinVar variation 3773285 (VCV003773285.2).
Genomic context (GRCh38, chr7:116,740,018, plus strand): 5'-TTCTCGATCAGGACCATCAACCCCTCATGTGAATTTTCTCCTGGACTCCCATCCAGTGTC[T>C]CCAGAAGTGATTGTGGAGCATACATTAAACCAAAATGGCTACACACTGGTTATCACTGGG-3'
Protein context (NP_000236.2, residues 477-497): VNFLLDSHPV[Ser487=]PEVIVEHTLN